The following is an entry in ClinVar:

NM_001793.6(CDH3):c.2431G>A (p.Glu811Lys)

Gene: CDH3 (cadherin 3; plus strand). Cytogenetic location: 16q22.1.
Variant type: single nucleotide variant.
Coding change: c.2431G>A on transcript NM_001793.6 (MANE Select); coding-DNA position 2431, G replaced by A.
Protein change: p.Glu811Lys; replaces glutamic acid 811 with lysine.
Molecular consequence: missense variant. On other transcripts: 3 prime UTR variant (1).
Genome position (GRCh38, 1-based): chr16:68,698,341, G>A. VCF-style: chr16-68698341-G-A. GRCh37 (hg19) VCF-style: chr16-68732244-G-A.
Other names: c.*174G>A (NM_001317195.3); c.2266G>A, p.Glu756Lys (NM_001317196.2); short protein forms E756K, E811K.
Identifiers: ClinVar variation 967281 (VCV000967281.7), dbSNP rs571691705, ClinGen allele CA8129738.

ClinVar aggregate classification (germline): Uncertain significance (1 of 4 stars; one submission).

Allele frequency attached by ClinVar (database versions not stated): gnomAD 0.00001 and 0.00002; TOPMed 0.00001; 1000 Genomes Project 30x 0.00016; 1000 Genomes Project 0.00020.
gnomAD v4.1: 28 of 1,614,192 alleles (0.0017%); highest among the groups gnomAD compares: South Asian, 0.0088%; no homozygotes.

Submission:

Labcorp Genetics (formerly Invitae), Labcorp
Classification: Uncertain significance. Last evaluated: 2022-06-11. Review status: criteria provided, single submitter. Criteria: Invitae Variant Classification Sherloc (09022015). Collection method: clinical testing. Allele origin: germline.
Comment: This sequence change replaces glutamic acid, which is acidic and polar, with lysine, which is basic and polar, at codon 811 of the CDH3 protein (p.Glu811Lys). This variant is present in population databases (rs571691705, gnomAD 0.02%). This variant has not been reported in the literature in individuals affected with CDH3-related conditions. ClinVar contains an entry for this variant (Variation ID: 967281). Algorithms developed to predict the effect of missense changes on protein structure and function are either unavailable or do not agree on the potential impact of this missense change (SIFT: "Not Available"; PolyPhen-2: "Probably Damaging"; Align-GVGD: "Not Available"). In summary, the available evidence is currently insufficient to determine the role of this variant in disease. Therefore, it has been classified as a Variant of Uncertain Significance.